The following is an entry in ClinVar:

NM_007294.3(BRCA1):c.457_458insATTAGCAGGAAACCAGTCTCA

Gene: BRCA1 (BRCA1 DNA repair associated; minus strand). Cytogenetic location: 17q21.31.
Variant type: Insertion.
Coding change: c.457_458insATTAGCAGGAAACCAGTCTCA on transcript NM_007294.3; coding-DNA positions 457 to 458, ATTAGCAGGAAACCAGTCTCA inserted.
Molecular consequence: intron variant (on NM_001407967.1).
Genome position: GRCh38 VCF-style: chr17-43099864-C-CTGAGACTGGTTTCCTGCTAAT. GRCh37 (hg19) VCF-style: chr17-41251881-C-CTGAGACTGGTTTCCTGCTAAT.
Other names: c.-218-5005_-218-5004insTTAGCAGGAAACCAGTCTCAA (NM_001407967.1, NM_001407966.1).
Identifiers: ClinVar variation 4625451 (VCV004625451.1).

ClinVar aggregate classification (germline): Pathogenic (1 of 4 stars; one submission).

Conditions:
Hereditary cancer-predisposing syndrome. Also called: Hereditary Cancer Syndrome; Neoplastic Syndromes, Hereditary; Tumor predisposition; Hereditary neoplastic syndrome. Identifiers: Orphanet 140162, MedGen C0027672, MeSH D009386, MONDO:0015356.

Submission:

Ambry Genetics
Classification: Pathogenic for Hereditary cancer-predisposing syndrome. Last evaluated: 2025-11-06. Review status: criteria provided, single submitter. Criteria: Ambry Variant Classification Scheme 2023. Collection method: clinical testing. Allele origin: germline.
Comment: The c.457_458ins21 variant (also known as p.L152_S153insN*), located in coding exon 6 of the BRCA1 gene, results from an in-frame 21 nucleotide insertion at nucleotide positions 457 to 458. This results in the insertion of an extra residue between codons 152 and 153. This variant is considered to be rare based on population cohorts in the Genome Aggregation Database (gnomAD). This alteration is expected to result in loss of function by premature protein truncation or nonsense-mediated mRNA decay. As such, this alteration is interpreted as a disease-causing mutation.